The following is an entry in ClinVar:

NM_001378183.1(PIEZO2):c.6630G>A (p.Lys2210=)

Gene: PIEZO2 (piezo type mechanosensitive ion channel component 2; minus strand). Cytogenetic location: 18p11.22.
Variant type: single nucleotide variant.
Coding change: c.6630G>A on transcript NM_001378183.1 (MANE Select); coding-DNA position 6630, G replaced by A.
Protein change: p.Lys2210=; no amino-acid change (lysine 2210 retained).
Molecular consequence: synonymous variant.
Genome position (GRCh38, 1-based): chr18:10,698,989, C>T on the plus strand (G>A on the coding strand, the complement: PIEZO2 is on the minus strand). VCF-style: chr18-10698989-C-T. GRCh37 (hg19) VCF-style: chr18-10698987-C-T.
Other names: c.6366G>A, p.Lys2122= (NM_001410871.1); c.6291G>A, p.Lys2097= (NM_022068.4); c.6291G>A (NM_022068.3).
Identifiers: ClinVar variation 2648584 (VCV002648584.25), dbSNP rs781075542, ClinGen allele CA8892219.
Genomic context (GRCh38, chr18:10,698,989, plus strand): 5'-TTGGGATCTGTTTGAAGAAAAGCTGGATCTCTGGGATGGCTCGGAGCTGCTGCCGGAGCG[C>T]TTCCTCCGGACAGCTGTCTGCTGCTCCGGGAAGGTCACATGCACTGACTCCACAGACGCG-3'
Protein context (NP_001365112.1, residues 2200-2220): FPEQQTAVRR[Lys2210=]RSGSSSEPSQ

ClinVar aggregate classification (germline): Likely benign. Review status: criteria provided, single submitter (1 of 4 stars). 2 submissions from 2 submitters: Likely benign (1). 1 of the submissions does not count toward it. Last evaluated 2023-08-01.

Conditions:
PIEZO2-related disorder. Also called: PIEZO2-related disorders; PIEZO2-related condition.

Allele frequency attached by ClinVar (database versions not stated): gnomAD 0.00003; gnomAD exomes 0.00003; TOPMed 0.00003; ExAC 0.00007.
gnomAD v4.1: 45 of 1,536,874 alleles (0.0029%); highest among the groups gnomAD compares: Middle Eastern, 0.067%; no homozygotes.

Submissions (2):

CeGaT Center for Human Genetics Tuebingen
Classification: Likely benign. Last evaluated: 2023-08-01. Review status: criteria provided, single submitter. Criteria: CeGaT Center For Human Genetics Tuebingen Variant Classification Criteria Version 2. Collection method: clinical testing. Allele origin: germline. Affected: yes. Observed: 1 variant allele.
Comment: PIEZO2: BP4, BP7

PreventionGenetics, part of Exact Sciences
Classification: Likely benign for PIEZO2-related condition. Last evaluated: 2019-11-16. Review status: no assertion criteria provided. Collection method: clinical testing. Allele origin: germline. Not counted in ClinVar's aggregate classification.
Comment: This variant is classified as likely benign based on ACMG/AMP sequence variant interpretation guidelines (Richards et al. 2015 PMID: 25741868, with internal and published modifications).